The following is an entry in ClinVar:

NM_000051.4(ATM):c.1529C>G (p.Ala510Gly)

Gene: ATM (ATM serine/threonine kinase; plus strand). Cytogenetic location: 11q22.3.
Variant type: single nucleotide variant.
Coding change: c.1529C>G on transcript NM_000051.4 (MANE Select); coding-DNA position 1529, C replaced by G.
Protein change: p.Ala510Gly; replaces alanine 510 with glycine.
Molecular consequence: missense variant.
Genome position (GRCh38, 1-based): chr11:108,250,994, C>G. VCF-style: chr11-108250994-C-G. GRCh37 (hg19) VCF-style: chr11-108121721-C-G.
Other names: c.1529C>G, p.Ala510Gly (NM_001351834.2); short protein forms A510G.
Identifiers: ClinVar variation 3720436 (VCV003720436.2).

ClinVar aggregate classification (germline): Uncertain significance (1 of 4 stars; one submission).

Conditions:
Ataxia-telangiectasia syndrome (AT). Also called: ATAXIA-TELANGIECTASIA, COMPLEMENTATION GROUP A; ATAXIA-TELANGIECTASIA, FRESNO VARIANT; Ataxia-telangiectasia; Ataxia-telangiectasia, complementation group E; Ataxia telangiectasia (A-T); LOUIS-BAR SYNDROME. Identifiers: Orphanet 100, MedGen C0004135, MONDO:0008840, OMIM 208900.

Submission:

Labcorp Genetics (formerly Invitae), Labcorp
Classification: Uncertain significance for Ataxia-telangiectasia syndrome. Last evaluated: 2024-12-16. Review status: criteria provided, single submitter. Criteria: Invitae Variant Classification Sherloc (09022015). Collection method: clinical testing. Allele origin: germline.
Comment: This sequence change replaces alanine, which is neutral and non-polar, with glycine, which is neutral and non-polar, at codon 510 of the ATM protein (p.Ala510Gly). This variant is not present in population databases (gnomAD no frequency). This variant has not been reported in the literature in individuals affected with ATM-related conditions. Invitae Evidence Modeling of protein sequence and biophysical properties (such as structural, functional, and spatial information, amino acid conservation, physicochemical variation, residue mobility, and thermodynamic stability) indicates that this missense variant is not expected to disrupt ATM protein function with a negative predictive value of 95%. In summary, the available evidence is currently insufficient to determine the role of this variant in disease. Therefore, it has been classified as a Variant of Uncertain Significance.